The following is an entry in ClinVar:

NM_012470.4(TNPO3):c.2228A>G (p.Gln743Arg)

Gene: TNPO3 (transportin 3; minus strand). Cytogenetic location: 7q32.1.
Variant type: single nucleotide variant.
Coding change: c.2228A>G on transcript NM_012470.4 (MANE Select); coding-DNA position 2228, A replaced by G.
Protein change: p.Gln743Arg; replaces glutamine 743 with arginine.
Molecular consequence: missense variant. On other transcripts: non-coding transcript variant (18).
Genome position (GRCh38, 1-based): chr7:128,974,913, T>C on the plus strand (A>G on the coding strand, the complement: TNPO3 is on the minus strand). VCF-style: chr7-128974913-T-C. GRCh37 (hg19) VCF-style: chr7-128614967-T-C.
Other names: c.2228A>G (NM_012470.3); c.2036A>G, p.Gln679Arg (NM_001191028.3, NM_001382223.1); c.2330A>G, p.Gln777Arg (NM_001382216.1); c.2309A>G, p.Gln770Arg (NM_001382217.1); c.2228A>G, p.Gln743Arg (NM_001382218.1); c.2120A>G, p.Gln707Arg (NM_001382219.1); c.2087A>G, p.Gln696Arg (NM_001382220.1); c.2084A>G, p.Gln695Arg (NM_001382221.1); and 1 more; short protein forms Q707R, Q777R, Q679R, Q695R, Q694R, Q743R, Q696R, Q770R.
Identifiers: ClinVar variation 2050307 (VCV002050307.5), dbSNP rs760588492, ClinGen allele CA4477928.

ClinVar aggregate classification (germline): Uncertain significance. Review status: criteria provided, multiple submitters, no conflicts (2 of 4 stars). 2 submissions from 2 submitters: Uncertain significance (2). Last evaluated 2025-04-17.

Conditions:
Autosomal dominant limb-girdle muscular dystrophy type 1F (LGMDD2). Also called: Limb-girdle muscular dystrophy, type 1F; MUSCULAR DYSTROPHY, LIMB-GIRDLE, AUTOSOMAL DOMINANT 2. Identifiers: Orphanet 55595, MedGen C1842062, MONDO:0012034, OMIM 608423.
Inborn genetic diseases. Identifiers: MedGen C0950123, MeSH D030342.

Allele frequency attached by ClinVar (database versions not stated): gnomAD 0.00001; TOPMed 0.00003.
gnomAD v4.1: 13 of 1,614,144 alleles (0.00081%); highest among the groups gnomAD compares: Admixed American, 0.017%; no homozygotes.

Submissions (2):

Ambry Genetics
Classification: Uncertain significance for Inborn genetic diseases. Last evaluated: 2025-04-17. Review status: criteria provided, single submitter. Criteria: Ambry Variant Classification Scheme 2023. Collection method: clinical testing. Allele origin: germline.

Labcorp Genetics (formerly Invitae), Labcorp
Classification: Uncertain significance for Autosomal dominant limb-girdle muscular dystrophy type 1F. Last evaluated: 2024-08-11. Review status: criteria provided, single submitter. Criteria: Invitae Variant Classification Sherloc (09022015). Collection method: clinical testing. Allele origin: germline.
Comment: This sequence change replaces glutamine, which is neutral and polar, with arginine, which is basic and polar, at codon 743 of the TNPO3 protein (p.Gln743Arg). This variant is present in population databases (rs760588492, gnomAD 0.02%). This variant has not been reported in the literature in individuals affected with TNPO3-related conditions. ClinVar contains an entry for this variant (Variation ID: 2050307). Advanced modeling of protein sequence and biophysical properties (such as structural, functional, and spatial information, amino acid conservation, physicochemical variation, residue mobility, and thermodynamic stability) performed at Invitae indicates that this missense variant is not expected to disrupt TNPO3 protein function with a negative predictive value of 80%. In summary, the available evidence is currently insufficient to determine the role of this variant in disease. Therefore, it has been classified as a Variant of Uncertain Significance.